The following is an entry in ClinVar:

ClinVar aggregate classification (germline): Uncertain significance. Review status: criteria provided, multiple submitters, no conflicts (2 of 4 stars). 2 submissions from 2 submitters: Uncertain significance (2). Last evaluated 2022-07-12.

Conditions:
Propionic acidemia (PROP). Also called: GLYCINEMIA, KETOTIC; HYPERGLYCINEMIA WITH KETOACIDOSIS AND LEUKOPENIA; KETOTIC HYPERGLYCINEMIA. Identifiers: Orphanet 35, MedGen C0268579, MONDO:0011628, OMIM 606054, HP:0003571.

Allele frequency attached by ClinVar (database versions not stated): gnomAD exomes below 0.00001; TOPMed below 0.00001.
gnomAD v4.1: 12 of 1,614,056 alleles (0.00074%); highest among the groups gnomAD compares: Non-Finnish European, 0.00093%; no homozygotes.

Submissions (2):

Women's Health and Genetics/Laboratory Corporation of America, LabCorp
Classification: Uncertain significance. Last evaluated: 2022-07-12. Review status: criteria provided, single submitter. Criteria: LabCorp Variant Classification Summary - May 2015. Collection method: clinical testing. Allele origin: germline.
Comment: Variant summary: PCCA c.1160C>G (p.Ala387Gly) results in a non-conservative amino acid change in the encoded protein sequence. Three of five in-silico tools predict a benign effect of the variant on protein function. The variant allele was found at a frequency of 4e-06 in 251372 control chromosomes. The available data on variant occurrences in the general population are insufficient to allow any conclusion about variant significance. To our knowledge, no occurrence of c.1160C>G in individuals affected with Propionic Acidemia and no experimental evidence demonstrating its impact on protein function have been reported. One clinical diagnostic laboratory has submitted clinical-significance assessments for this variant to ClinVar after 2014 without evidence for independent evaluation. One laboratory classified the variant as uncertain significance. Based on the evidence outlined above, the variant was classified as uncertain significance.

Labcorp Genetics (formerly Invitae), Labcorp
Classification: Uncertain significance for Propionic acidemia. Last evaluated: 2021-08-31. Review status: criteria provided, single submitter. Criteria: Invitae Variant Classification Sherloc (09022015). Collection method: clinical testing. Allele origin: germline.
Comment: This sequence change replaces alanine with glycine at codon 387 of the PCCA protein (p.Ala387Gly). The alanine residue is moderately conserved and there is a small physicochemical difference between alanine and glycine. This variant is not present in population databases (ExAC no frequency). This variant has not been reported in the literature in individuals affected with PCCA-related conditions. Algorithms developed to predict the effect of missense changes on protein structure and function (SIFT, PolyPhen-2, Align-GVGD) all suggest that this variant is likely to be tolerated. Algorithms developed to predict the effect of sequence changes on RNA splicing suggest that this variant may create or strengthen a splice site. In summary, the available evidence is currently insufficient to determine the role of this variant in disease. Therefore, it has been classified as a Variant of Uncertain Significance.

NM_000282.4(PCCA):c.1160C>G (p.Ala387Gly)

Gene: PCCA (propionyl-CoA carboxylase subunit alpha; plus strand). Cytogenetic location: 13q32.3.
Variant type: single nucleotide variant.
Coding change: c.1160C>G on transcript NM_000282.4 (MANE Select); coding-DNA position 1160, C replaced by G.
Protein change: p.Ala387Gly; replaces alanine 387 with glycine.
Molecular consequence: missense variant. On other transcripts: non-coding transcript variant (5), intron variant (3).
Genome position (GRCh38, 1-based): chr13:100,301,554, C>G. VCF-style: chr13-100301554-C-G. GRCh37 (hg19) VCF-style: chr13-100953808-C-G.
Other names: c.1082C>G, p.Ala361Gly (NM_001127692.3, NM_001352607.2); c.1160C>G, p.Ala387Gly (NM_001178004.2, NM_001352605.2, NM_001352609.2); c.215C>G, p.Ala72Gly (NM_001352610.2, NM_001352611.2); c.1066-1370C>G (NM_001352606.2); c.121-1370C>G (NM_001352612.2); c.988-1370C>G (NM_001352608.2); short protein forms A361G, A387G, A72G.
Identifiers: ClinVar variation 1440832 (VCV001440832.6), dbSNP rs1484267212, ClinGen allele CA388695298.